The following is an entry in ClinVar:

NM_001127222.2(CACNA1A):c.6275C>A (p.Ser2092Tyr)

Gene: CACNA1A (calcium voltage-gated channel subunit alpha1 A; minus strand). Cytogenetic location: 19p13.13.
Variant type: single nucleotide variant.
Coding change: c.6275C>A on transcript NM_001127222.2 (MANE Select); coding-DNA position 6275, C replaced by A.
Protein change: p.Ser2092Tyr; replaces serine 2092 with tyrosine.
Molecular consequence: missense variant.
Genome position (GRCh38, 1-based): chr19:13,212,131, G>T on the plus strand (C>A on the coding strand, the complement: CACNA1A is on the minus strand). VCF-style: chr19-13212131-G-T. GRCh37 (hg19) VCF-style: chr19-13322945-G-T.
Other names: c.6293C>A, p.Ser2098Tyr (NM_000068.4, NM_023035.3); c.6278C>A, p.Ser2093Tyr (NM_001127221.2); c.6284C>A, p.Ser2095Tyr (NM_001174080.2); short protein forms S2092Y, S2095Y, S2098Y, S2093Y.
Identifiers: ClinVar variation 1430656 (VCV001430656.6), dbSNP rs2144522850, ClinGen allele CA404332184.

ClinVar aggregate classification (germline): Uncertain significance (1 of 4 stars; one submission).

Conditions:
Episodic ataxia type 2 (EA2). Also called: ATAXIA, EPISODIC, WITH NYSTAGMUS; ATAXIA, FAMILIAL PAROXYSMAL; CEREBELLAR ATAXIA, PAROXYSMAL, ACETAZOLAMIDE-RESPONSIVE; CEREBELLOPATHY, HEREDITARY PAROXYSMAL; EPISODIC ATAXIA, NYSTAGMUS-ASSOCIATED; ACETAZOLAMIDE-RESPONSIVE HEREDITARY PAROXYSMAL CEREBELLAR ATAXIA. Identifiers: Orphanet 97, MedGen C1720416, MONDO:0007163, OMIM 108500.
Developmental and epileptic encephalopathy, 42 (DEE42A). Also called: Epileptic encephalopathy, early infantile, 42; DEVELOPMENTAL AND EPILEPTIC ENCEPHALOPATHY 42A; EPILEPTIC ENCEPHALOPATHY, EARLY INFANTILE, 42A. Identifiers: MedGen C4310716, MONDO:0014917, OMIM 617106.

Submission:

Labcorp Genetics (formerly Invitae), Labcorp
Classification: Uncertain significance for Developmental and epileptic encephalopathy, 42; Episodic ataxia type 2. Last evaluated: 2021-11-22. Review status: criteria provided, single submitter. Criteria: Invitae Variant Classification Sherloc (09022015). Collection method: clinical testing. Allele origin: germline.
Comment: This sequence change replaces serine, which is neutral and polar, with tyrosine, which is neutral and polar, at codon 2093 of the CACNA1A protein (p.Ser2093Tyr). This variant is not present in population databases (gnomAD no frequency). This variant has not been reported in the literature in individuals affected with CACNA1A-related conditions. Algorithms developed to predict the effect of missense changes on protein structure and function are either unavailable or do not agree on the potential impact of this missense change (SIFT: "Deleterious"; PolyPhen-2: "Probably Damaging"; Align-GVGD: "Class C0"). In summary, the available evidence is currently insufficient to determine the role of this variant in disease. Therefore, it has been classified as a Variant of Uncertain Significance.